The following is an entry in ClinVar:

ClinVar aggregate classification (germline): Uncertain significance (1 of 4 stars; one submission).

Allele frequency attached by ClinVar (database versions not stated): gnomAD exomes below 0.00001; TOPMed below 0.00001; gnomAD 0.00001.

Submission:

Labcorp Genetics (formerly Invitae), Labcorp
Classification: Uncertain significance. Last evaluated: 2022-11-16. Review status: criteria provided, single submitter. Criteria: Invitae Variant Classification Sherloc (09022015). Collection method: clinical testing. Allele origin: germline.
Comment: In summary, the available evidence is currently insufficient to determine the role of this variant in disease. Therefore, it has been classified as a Variant of Uncertain Significance. Advanced modeling of protein sequence and biophysical properties (such as structural, functional, and spatial information, amino acid conservation, physicochemical variation, residue mobility, and thermodynamic stability) performed at Invitae indicates that this missense variant is not expected to disrupt ACO2 protein function. This variant has not been reported in the literature in individuals affected with ACO2-related conditions. This variant is not present in population databases (gnomAD no frequency). This sequence change replaces lysine, which is basic and polar, with arginine, which is basic and polar, at codon 689 of the ACO2 protein (p.Lys689Arg).

NM_001098.3(ACO2):c.2066A>G (p.Lys689Arg)

Genes: ACO2 (aconitase 2; plus strand), POLR3H (RNA polymerase III subunit H; minus strand). Cytogenetic location: 22q13.2.
Variant type: single nucleotide variant.
Coding change: c.2066A>G on transcript NM_001098.3 (MANE Select); coding-DNA position 2066, A replaced by G.
Protein change: p.Lys689Arg; replaces lysine 689 with arginine.
Molecular consequence: missense variant. On other transcripts: 3 prime UTR variant (5).
Genome position (GRCh38, 1-based): chr22:41,527,400, A>G. VCF-style: chr22-41527400-A-G. GRCh37 (hg19) VCF-style: chr22-41923404-A-G.
Other names: c.*1883T>C (NM_138338.5, NM_001018050.4, NM_001018052.4 and 2 more transcripts); short protein forms K689R.
Identifiers: ClinVar variation 2096102 (VCV002096102.4), dbSNP rs2066623646, ClinGen allele CA411729025.